The following is an entry in ClinVar:

NM_015512.5(DNAH1):c.5457C>T (p.Tyr1819=)

Gene: DNAH1 (dynein axonemal heavy chain 1; plus strand). Cytogenetic location: 3p21.1.
Variant type: single nucleotide variant.
Coding change: c.5457C>T on transcript NM_015512.5 (MANE Select); coding-DNA position 5457, C replaced by T.
Protein change: p.Tyr1819=; no amino-acid change (tyrosine 1819 retained).
Molecular consequence: synonymous variant.
Genome position (GRCh38, 1-based): chr3:52,364,958, C>T. VCF-style: chr3-52364958-C-T. GRCh37 (hg19) VCF-style: chr3-52398974-C-T.
Other names: c.5457C>T (NM_015512.4).
Identifiers: ClinVar variation 2161526 (VCV002161526.7), dbSNP rs62257593, ClinGen allele CA74754860.
Genomic context (GRCh38, chr3:52,364,958, plus strand): 5'-GCTCTTCTCTGGCATCGTGTCCGACCTGTTTCCCACCATCAAGGAGGAGGACACGGACTA[C>T]GGCATCCTGGATGAGGCCATCCGCGAGGCCTGCAGGAACAGCAACCTCAAGGATGTGGAG-3'
Protein context (NP_056327.4, residues 1809-1829): FPTIKEEDTD[Tyr1819=]GILDEAIREA

ClinVar aggregate classification (germline): Likely benign. Review status: criteria provided, multiple submitters, no conflicts (2 of 4 stars). 3 submissions from 3 submitters: Likely benign (2). 1 of the submissions does not count toward it. Last evaluated 2025-12-19.

Conditions:
DNAH1-related disorder. Also called: DNAH1-related condition.
Spermatogenic failure 18. Identifiers: MedGen C4539783, MONDO:0054615, OMIM 617576.
Ciliary dyskinesia, primary, 37 (CILD37). Also called: CILIARY DYSKINESIA, PRIMARY, 37, WITH OR WITHOUT SITUS INVERSUS. Identifiers: MedGen C4539798, MONDO:0033204, OMIM 617577.

Allele frequency attached by ClinVar (database versions not stated): gnomAD 0.00002; gnomAD exomes 0.00003; TOPMed 0.00004.
gnomAD v4.1: 42 of 1,613,818 alleles (0.0026%); highest among the groups gnomAD compares: African/African-American, 0.0053%; no homozygotes.

Submissions (3):

Labcorp Genetics (formerly Invitae), Labcorp
Classification: Likely benign for Ciliary dyskinesia, primary, 37; Spermatogenic failure 18. Last evaluated: 2025-12-19. Review status: criteria provided, single submitter. Criteria: Invitae Variant Classification Sherloc (09022015). Collection method: clinical testing. Allele origin: germline.

Blueprint Genetics
Classification: Likely benign. Last evaluated: 2021-10-21. Review status: criteria provided, single submitter. Criteria: ACMG Guidelines, 2015. Collection method: clinical testing. Allele origin: germline.

PreventionGenetics, part of Exact Sciences
Classification: Likely benign for DNAH1-related condition. Last evaluated: 2024-02-26. Review status: no assertion criteria provided. Collection method: clinical testing. Allele origin: germline. Not counted in ClinVar's aggregate classification.
Comment: This variant is classified as likely benign based on ACMG/AMP sequence variant interpretation guidelines (Richards et al. 2015 PMID: 25741868, with internal and published modifications).